The following is an entry in ClinVar:

NM_000138.5(FBN1):c.7473C>G (p.Thr2491=)

Gene: FBN1 (fibrillin 1; minus strand). Cytogenetic location: 15q21.1.
Variant type: single nucleotide variant.
Coding change: c.7473C>G on transcript NM_000138.5 (MANE Select); coding-DNA position 7473, C replaced by G.
Protein change: p.Thr2491=; no amino-acid change (threonine 2491 retained).
Molecular consequence: synonymous variant.
Genome position (GRCh38, 1-based): chr15:48,422,049, G>C on the plus strand (C>G on the coding strand, the complement: FBN1 is on the minus strand). VCF-style: chr15-48422049-G-C. GRCh37 (hg19) VCF-style: chr15-48714246-G-C.
Identifiers: ClinVar variation 507756 (VCV000507756.1), dbSNP rs1555394248, ClinGen allele CA490015957.

ClinVar aggregate classification (germline): Likely benign (1 of 4 stars; one submission).

Submission:

GeneDx
Classification: Likely benign. Last evaluated: 2017-03-06. Review status: criteria provided, single submitter. Criteria: GeneDx Variant Classification (06012015). Collection method: clinical testing. Allele origin: germline. Affected: yes.
Comment: This variant is considered likely benign or benign based on one or more of the following criteria: it is a conservative change, it occurs at a poorly conserved position in the protein, it is predicted to be benign by multiple in silico algorithms, and/or has population frequency not consistent with disease.